The following is an entry in ClinVar:

NM_007186.6(CEP250):c.6470C>A (p.Ala2157Glu)

Gene: CEP250 (centrosomal protein 250; plus strand). Cytogenetic location: 20q11.22.
Variant type: single nucleotide variant.
Coding change: c.6470C>A on transcript NM_007186.6 (MANE Select); coding-DNA position 6470, C replaced by A.
Protein change: p.Ala2157Glu; replaces alanine 2157 with glutamic acid.
Molecular consequence: missense variant.
Genome position (GRCh38, 1-based): chr20:35,504,839, C>A. VCF-style: chr20-35504839-C-A. GRCh37 (hg19) VCF-style: chr20-34092667-C-A.
Other names: c.4574C>A, p.Ala1525Glu (NM_001318219.1); short protein forms A2157E, A1525E.
Identifiers: ClinVar variation 1357800 (VCV001357800.6), dbSNP rs1167675349, ClinGen allele CA408757269.

ClinVar aggregate classification (germline): Uncertain significance (1 of 4 stars; one submission).

Allele frequency attached by ClinVar (database versions not stated): gnomAD 0.00001; TOPMed 0.00001.
gnomAD v4.1: 2 of 1,614,126 alleles (0.00012%); highest among the groups gnomAD compares: East Asian, 0.0022%; no homozygotes.

Submission:

Labcorp Genetics (formerly Invitae), Labcorp
Classification: Uncertain significance. Last evaluated: 2021-08-09. Review status: criteria provided, single submitter. Criteria: Invitae Variant Classification Sherloc (09022015). Collection method: clinical testing. Allele origin: germline.
Comment: In summary, the available evidence is currently insufficient to determine the role of this variant in disease. Therefore, it has been classified as a Variant of Uncertain Significance. Algorithms developed to predict the effect of missense changes on protein structure and function are either unavailable or do not agree on the potential impact of this missense change (SIFT: "Not Available"; PolyPhen-2: "Benign"; Align-GVGD: "Not Available"). This variant has not been reported in the literature in individuals affected with CEP250-related conditions. This variant is not present in population databases (ExAC no frequency). This sequence change replaces alanine with glutamic acid at codon 2157 of the CEP250 protein (p.Ala2157Glu). The alanine residue is weakly conserved and there is a moderate physicochemical difference between alanine and glutamic acid.